The following is an entry in ClinVar:

NM_014336.5(AIPL1):c.1081G>C (p.Glu361Gln)

Gene: AIPL1 (AIP like 1 HSP90 co-chaperone; minus strand). Cytogenetic location: 17p13.2.
Variant type: single nucleotide variant.
Coding change: c.1081G>C on transcript NM_014336.5 (MANE Select); coding-DNA position 1081, G replaced by C.
Protein change: p.Glu361Gln; replaces glutamic acid 361 with glutamine.
Molecular consequence: missense variant. On other transcripts: 3 prime UTR variant (1).
Genome position (GRCh38, 1-based): chr17:6,425,534, C>G on the plus strand (G>C on the coding strand, the complement: AIPL1 is on the minus strand). VCF-style: chr17-6425534-C-G. GRCh37 (hg19) VCF-style: chr17-6328854-C-G.
Other names: c.1081G>C (NM_014336.4); c.892G>C, p.Glu298Gln (NM_001033054.3); c.901G>C, p.Glu301Gln (NM_001033055.3); c.1045G>C, p.Glu349Gln (NM_001285399.3); c.1015G>C, p.Glu339Gln (NM_001285400.3); c.1009G>C, p.Glu337Gln (NM_001285401.3); c.964G>C, p.Glu322Gln (NM_001285402.2); c.*1052G>C (NM_001285403.4); short protein forms E349Q, E298Q, E322Q, E337Q, E339Q, E361Q, E301Q.
Identifiers: ClinVar variation 2010997 (VCV002010997.2), dbSNP rs1278686032, ClinGen allele CA397394300.
Genomic context (GRCh38, chr17:6,425,534, plus strand): 5'-AGTGCCCTGGGGACGGGGGTGGCTCTGTGGCTGGCTCTGCAGGGGGCCCTGCGGACAGCT[C>G]TGCAGATGGTGCTGTGGGTGGCTCTGCAGGTGGCTCTGTGGATGACTGTGCGGGTGGCTC-3'
Protein context (NP_055151.3, residues 351-371): PAEPPTAPSA[Glu361Gln]LSAGPPAEPA

ClinVar aggregate classification (germline): Uncertain significance. Review status: criteria provided, multiple submitters, no conflicts (2 of 4 stars). 2 submissions from 2 submitters: Uncertain significance (2). Last evaluated 2023-04-04.

Conditions:
AIPL1-related disorder. Also called: AIPL1-related condition; AIPL1-related disorders. Identifiers: MedGen CN239169.
Leber congenital amaurosis 4 (LCA4). Identifiers: MedGen C1858386, MONDO:0011458, OMIM 604393.

Allele frequency attached by ClinVar (database versions not stated): TOPMed below 0.00001; gnomAD 0.00003.
gnomAD v4.1: 8 of 1,612,174 alleles (0.0005%); highest among the groups gnomAD compares: Middle Eastern, 0.066%; no homozygotes.

Submissions (2):

PreventionGenetics, part of Exact Sciences
Classification: Uncertain significance for AIPL1-related condition. Last evaluated: 2023-04-04. Review status: criteria provided, single submitter. Criteria: ACMG Guidelines, 2015. Collection method: clinical testing. Allele origin: germline.
Comment: The AIPL1 c.1081G>C variant is predicted to result in the amino acid substitution p.Glu361Gln. To our knowledge, this variant has not been reported in the literature. This variant is reported in 0.0062% of alleles in individuals of African descent in gnomAD. At this time, the clinical significance of this variant is uncertain due to the absence of conclusive functional and genetic evidence.

Labcorp Genetics (formerly Invitae), Labcorp
Classification: Uncertain significance for Leber congenital amaurosis 4. Last evaluated: 2022-07-12. Review status: criteria provided, single submitter. Criteria: Invitae Variant Classification Sherloc (09022015). Collection method: clinical testing. Allele origin: germline.
Comment: This sequence change replaces glutamic acid, which is acidic and polar, with glutamine, which is neutral and polar, at codon 361 of the AIPL1 protein (p.Glu361Gln). This variant is present in population databases (no rsID available, gnomAD 0.007%). This variant has not been reported in the literature in individuals affected with AIPL1-related conditions. Algorithms developed to predict the effect of missense changes on protein structure and function are either unavailable or do not agree on the potential impact of this missense change (SIFT: "Tolerated"; PolyPhen-2: "Not Available"; Align-GVGD: "Class C0"). In summary, the available evidence is currently insufficient to determine the role of this variant in disease. Therefore, it has been classified as a Variant of Uncertain Significance.